The following is an entry in ClinVar:

ClinVar aggregate classification (germline): Uncertain significance. Review status: criteria provided, multiple submitters, no conflicts (2 of 4 stars). 3 submissions from 3 submitters: Uncertain significance (3). Last evaluated 2025-05-24.

Conditions:
Hereditary cancer-predisposing syndrome. Also called: Neoplastic Syndromes, Hereditary; Tumor predisposition; Hereditary neoplastic syndrome; Hereditary Cancer Syndrome. Identifiers: Orphanet 140162, MedGen C0027672, MeSH D009386, MONDO:0015356.

gnomAD v4.1: 12 of 1,592,254 alleles (0.00075%); highest among the groups gnomAD compares: South Asian, 0.0022%; no homozygotes.

Submissions (3):

Ambry Genetics
Classification: Uncertain significance for Hereditary cancer-predisposing syndrome. Last evaluated: 2025-05-24. Review status: criteria provided, single submitter. Criteria: Ambry Variant Classification Scheme 2023. Collection method: clinical testing. Allele origin: germline.
Comment: The p.L17P variant (also known as c.50T>C), located in coding exon 1 of the NTHL1 gene, results from a T to C substitution at nucleotide position 50. The leucine at codon 17 is replaced by proline, an amino acid with similar properties. This amino acid position is poorly conserved in available vertebrate species. In addition, this alteration is predicted to be tolerated by in silico analysis. Since supporting evidence is limited at this time, the clinical significance of this alteration remains unclear.

Labcorp Genetics (formerly Invitae), Labcorp
Classification: Uncertain significance. Last evaluated: 2024-11-29. Review status: criteria provided, single submitter. Criteria: Invitae Variant Classification Sherloc (09022015). Collection method: clinical testing. Allele origin: germline.
Comment: This sequence change replaces leucine, which is neutral and non-polar, with proline, which is neutral and non-polar, at codon 17 of the NTHL1 protein (p.Leu17Pro). This variant is not present in population databases (gnomAD no frequency). This variant has not been reported in the literature in individuals affected with NTHL1-related conditions. ClinVar contains an entry for this variant (Variation ID: 825446). An algorithm developed to predict the effect of missense changes on protein structure and function (PolyPhen-2) suggests that this variant is likely to be tolerated. In summary, the available evidence is currently insufficient to determine the role of this variant in disease. Therefore, it has been classified as a Variant of Uncertain Significance.

GeneDx
Classification: Uncertain significance. Last evaluated: 2019-08-02. Review status: criteria provided, single submitter. Criteria: GeneDx Variant Classification Process June 2021. Collection method: clinical testing. Allele origin: germline. Affected: yes.
Comment: Not observed in large population cohorts (Lek et al., 2016); In silico analysis, which includes protein predictors and evolutionary conservation, supports that this variant does not alter protein structure/function; Has not been previously published as pathogenic or benign to our knowledge

NM_002528.7(NTHL1):c.26T>C (p.Leu9Pro)

Gene: NTHL1 (nth like DNA glycosylase 1; minus strand). Cytogenetic location: 16p13.3.
Variant type: single nucleotide variant.
Coding change: c.26T>C on transcript NM_002528.7 (MANE Select); coding-DNA position 26, T replaced by C.
Protein change: p.Leu9Pro; replaces leucine 9 with proline.
Molecular consequence: missense variant. On other transcripts: 5 prime UTR variant (1).
Genome position (GRCh38, 1-based): chr16:2,047,798, A>G on the plus strand (T>C on the coding strand, the complement: NTHL1 is on the minus strand). VCF-style: chr16-2047798-A-G. GRCh37 (hg19) VCF-style: chr16-2097799-A-G.
Other names: c.26T>C, p.Leu9Pro (NM_001318193.2); c.-153T>C (NM_001318194.2); short protein forms L9P.
Identifiers: ClinVar variation 825446 (VCV000825446.11), dbSNP rs1596228259, ClinGen allele CA394298585.